The following is an entry in ClinVar:

NM_001378418.1(TCF20):c.3521G>A (p.Gly1174Asp)

Gene: TCF20 (transcription factor 20; minus strand). Cytogenetic location: 22q13.2.
Variant type: single nucleotide variant.
Coding change: c.3521G>A on transcript NM_001378418.1 (MANE Select); coding-DNA position 3521, G replaced by A.
Protein change: p.Gly1174Asp; replaces glycine 1174 with aspartic acid.
Molecular consequence: missense variant.
Genome position (GRCh38, 1-based): chr22:42,211,785, C>T on the plus strand (G>A on the coding strand, the complement: TCF20 is on the minus strand). VCF-style: chr22-42211785-C-T. GRCh37 (hg19) VCF-style: chr22-42607791-C-T.
Other names: c.3521G>A, p.Gly1174Asp (NM_005650.4, NM_181492.3); short protein forms G1174D.
Identifiers: ClinVar variation 3250993 (VCV003250993.18), dbSNP rs1261058730.

ClinVar aggregate classification (germline): Uncertain significance (1 of 4 stars; one submission).

Submission:

CeGaT Center for Human Genetics Tuebingen
Classification: Uncertain significance. Last evaluated: 2024-06-01. Review status: criteria provided, single submitter. Criteria: CeGaT Center For Human Genetics Tuebingen Variant Classification Criteria Version 2. Collection method: clinical testing. Allele origin: germline. Affected: yes. Observed: 1 variant allele.
Comment: TCF20: PM2, BP4, BP5